The following is an entry in ClinVar:

NM_000032.5(ALAS2):c.644C>T (p.Thr215Ile)

Gene: ALAS2 (5'-aminolevulinate synthase 2; minus strand). Cytogenetic location: Xp11.21.
Variant type: single nucleotide variant.
Coding change: c.644C>T on transcript NM_000032.5 (MANE Select); coding-DNA position 644, C replaced by T.
Protein change: p.Thr215Ile; replaces threonine 215 with isoleucine.
Molecular consequence: missense variant.
Genome position (GRCh38, 1-based): chrX:55,020,499, G>A on the plus strand (C>T on the coding strand, the complement: ALAS2 is on the minus strand). VCF-style: chrX-55020499-G-A. GRCh37 (hg19) VCF-style: chrX-55046932-G-A.
Other names: c.533C>T, p.Thr178Ile (NM_001037967.4); c.605C>T, p.Thr202Ile (NM_001037968.4); short protein forms T202I, T178I, T215I.
Identifiers: ClinVar variation 1395139 (VCV001395139.9), dbSNP rs1016452350, ClinGen allele CA328973655.

ClinVar aggregate classification (germline): Uncertain significance. Review status: criteria provided, multiple submitters, no conflicts (2 of 4 stars). 2 submissions from 2 submitters: Uncertain significance (2). Last evaluated 2025-12-22.

gnomAD v4.1: 16 of 1,172,330 alleles (0.0014%); highest among the groups gnomAD compares: South Asian, 0.017%; no homozygotes.

Submissions (2):

Labcorp Genetics (formerly Invitae), Labcorp
Classification: Uncertain significance. Last evaluated: 2025-12-22. Review status: criteria provided, single submitter. Criteria: Invitae Variant Classification Sherloc (09022015). Collection method: clinical testing. Allele origin: germline.
Comment: This sequence change replaces threonine, which is neutral and polar, with isoleucine, which is neutral and non-polar, at codon 215 of the ALAS2 protein (p.Thr215Ile). The frequency data for this variant in the population databases is considered unreliable, as metrics indicate poor data quality at this position in the gnomAD database. This variant has not been reported in the literature in individuals affected with ALAS2-related conditions. ClinVar contains an entry for this variant (Variation ID: 1395139). Invitae Evidence Modeling of protein sequence and biophysical properties (such as structural, functional, and spatial information, amino acid conservation, physicochemical variation, residue mobility, and thermodynamic stability) indicates that this missense variant is not expected to disrupt ALAS2 protein function with a negative predictive value of 95%. In summary, the available evidence is currently insufficient to determine the role of this variant in disease. Therefore, it has been classified as a Variant of Uncertain Significance.

Revvity Omics, Revvity
Classification: Uncertain significance. Last evaluated: 2024-02-12. Review status: criteria provided, single submitter. Criteria: ACMG Guidelines, 2015. Collection method: clinical testing. Allele origin: germline.